The following is an entry in ClinVar:

ClinVar aggregate classification (germline): Uncertain significance (1 of 4 stars; one submission).

Conditions:
Arrhythmogenic right ventricular dysplasia 9 (ARVD9). Also called: ARRHYTHMOGENIC RIGHT VENTRICULAR DYSPLASIA, FAMILIAL, 9; Arrhythmogenic Right Ventricular Dysplasia/Cardiomyopathy 9. Identifiers: MedGen C1836906, MONDO:0012180, OMIM 609040.

Submission:

Labcorp Genetics (formerly Invitae), Labcorp
Classification: Uncertain significance for Arrhythmogenic right ventricular dysplasia 9. Last evaluated: 2019-12-22. Review status: criteria provided, single submitter. Criteria: Invitae Variant Classification Sherloc (09022015). Collection method: clinical testing. Allele origin: germline.
Comment: This sequence change replaces alanine with proline at codon 356 of the PKP2 protein (p.Ala356Pro). The alanine residue is highly conserved and there is a small physicochemical difference between alanine and proline. This variant has not been reported in the literature in individuals with PKP2-related conditions. In summary, the available evidence is currently insufficient to determine the role of this variant in disease. Therefore, it has been classified as a Variant of Uncertain Significance. Algorithms developed to predict the effect of missense changes on protein structure and function are either unavailable or do not agree on the potential impact of this missense change (SIFT: "Deleterious"; PolyPhen-2: "Benign"; Align-GVGD: "Class C25"). This variant is not present in population databases (ExAC no frequency).

NM_001005242.3(PKP2):c.1066G>C (p.Ala356Pro)

Gene: PKP2 (plakophilin 2; minus strand). Cytogenetic location: 12p11.21.
Variant type: single nucleotide variant.
Coding change: c.1066G>C on transcript NM_001005242.3 (MANE Select); coding-DNA position 1066, G replaced by C.
Protein change: p.Ala356Pro; replaces alanine 356 with proline.
Molecular consequence: missense variant.
Genome position (GRCh38, 1-based): chr12:32,869,031, C>G on the plus strand (G>C on the coding strand, the complement: PKP2 is on the minus strand). VCF-style: chr12-32869031-C-G. GRCh37 (hg19) VCF-style: chr12-33021965-C-G.
Other names: c.1066G>C, p.Ala356Pro (NM_004572.4); short protein forms A356P.
Identifiers: ClinVar variation 836687 (VCV000836687.10), dbSNP rs1956875094, ClinGen allele CA384359791.